The following is an entry in ClinVar:

NM_133433.4(NIPBL):c.6726AGA[2] (p.Glu2244del)

Gene: NIPBL (NIPBL cohesin loading factor; plus strand). Cytogenetic location: 5p13.2.
Variant type: Microsatellite.
Coding change: c.6726AGA[2] on transcript NM_133433.4 (MANE Select); two copies in a row of the 3-base unit AGA starting at c.6726; the reference has three copies in a row; one copy, 3 bases deleted; also written c.6732_6734del.
Protein change: p.Glu2244del; deletes glutamic acid 2244.
Molecular consequence: inframe deletion.
Genome position (GRCh38, 1-based): chr5:37,048,644-37,048,646, AGA deleted; deleting any 3 consecutive bases within chr5:37,048,637-37,048,646 gives the same sequence; the position shown is the placement nearest the transcript's 3' end. VCF-style (leftmost placement, unchanged base first): chr5-37048636-CAAG-C. GRCh37 (hg19) VCF-style: chr5-37048738-CAAG-C.
Other names: c.6726AGA[2], p.Glu2244del (NM_015384.5); c.6732_6734delAGA (NM_133433.3); c.6732_6734del (NM_133433.3); short protein forms E2244del.
Identifiers: ClinVar variation 1699120 (VCV001699120.36), dbSNP rs2149737108, ClinGen allele CA923726220.

ClinVar aggregate classification (germline): Likely pathogenic. Review status: criteria provided, multiple submitters, no conflicts (2 of 4 stars). 4 submissions from 4 submitters: Likely pathogenic (3). 1 of the submissions does not count toward it. Last evaluated 2025-09-11.

Conditions:
Cornelia de Lange syndrome 1 (CDLS1). Also called: TYPUS DEGENERATIVUS AMSTELODAMENSIS; NIPBL-Related Cornelia de Lange Syndrome; Brachmann de Lange syndrome. Identifiers: Orphanet 199, MedGen C4551851, MONDO:0007387, OMIM 122470.
NIPBL-related disorder. Also called: NIPBL-related condition.

Submissions (4):

GeneDx
Classification: Likely pathogenic. Last evaluated: 2025-09-11. Review status: criteria provided, single submitter. Criteria: GeneDx Variant Classification Process June 2021. Collection method: clinical testing. Allele origin: germline.
Comment: Not observed at significant frequency in large population cohorts (gnomAD); In-frame deletion of 1 amino acid in a non-repeat region; In silico analysis suggests that this variant does not alter protein structure/function; Has not been previously published as pathogenic or benign to our knowledge

CeGaT Center for Human Genetics Tuebingen
Classification: Likely pathogenic. Last evaluated: 2022-07-01. Review status: criteria provided, single submitter. Criteria: CeGaT Center For Human Genetics Tuebingen Variant Classification Criteria Version 2. Collection method: clinical testing. Allele origin: germline. Affected: yes. Observed: 1 variant allele.
Comment: NIPBL: PS2, PM2

Victorian Clinical Genetics Services, Murdoch Childrens Research Institute
Classification: Likely pathogenic for Cornelia de Lange syndrome 1. Last evaluated: 2020-06-11. Review status: criteria provided, single submitter. Criteria: ACMG Guidelines, 2015. Collection method: clinical testing. Allele origin: germline. Inheritance: Autosomal dominant inheritance.
Comment: Based on the classification scheme VCGS_Germline_v1.1.0, this variant is classified as Likely Pathogenic. Following criteria are met: 0102 - Loss-of-function is a known mechanism of disease for this gene. (N) 0107 - This gene is known to be associated with autosomal dominant disease. (N) 0213 - In-frame insertion/deletion in a non-repetitive region that has high conservation (exon 39 of 47). (P) 0251 - Variant is heterozygous. (N) 0301 - Variant is absent from gnomAD. (P) 0501 - Missense variant located in a highly conserved region. (P) 0604 - Variant is not located in an established domain, motif, hotspot or informative constraint region. (N) 0705 - No comparable variants have previous evidence for pathogenicity. (N) 0807 - Variant has not previously been reported in a clinical context. (N) 0902 - Moderate evidence for segregation with disease. (P) 1102 - Strong phenotype match. (N) Legend: (P) - Pathogenic, (N) - Neutral, (B) - Benign

PreventionGenetics, part of Exact Sciences
Classification: Likely pathogenic for NIPBL-related condition. Last evaluated: 2024-06-22. Review status: no assertion criteria provided. Collection method: clinical testing. Allele origin: germline. Not counted in ClinVar's aggregate classification.
Comment: The NIPBL c.6732_6734delAGA variant is predicted to result in an in-frame deletion (p.Glu2244del). To our knowledge, this variant has not been reported in the literature or in a large population database, indicating this variant is rare. In ClinVar, this variant has been interpreted as likely pathogenic; however, no evidence was provided to support its pathogenicity. This variant is interpreted as likely pathogenic.